The following is an entry in ClinVar:

NM_018706.7(DHTKD1):c.2658+1G>T

Gene: DHTKD1 (dehydrogenase E1 and transketolase domain containing 1; plus strand). Cytogenetic location: 10p14.
Variant type: single nucleotide variant.
Coding change: c.2658+1G>T on transcript NM_018706.7 (MANE Select); the canonical splice donor site of the intron after coding-DNA position 2658, G replaced by T.
Molecular consequence: splice donor variant.
Genome position (GRCh38, 1-based): chr10:12,120,268, G>T. VCF-style: chr10-12120268-G-T. GRCh37 (hg19) VCF-style: chr10-12162267-G-T.
Identifiers: ClinVar variation 2197311 (VCV002197311.2), dbSNP rs1564400797, ClinGen allele CA376017198.
Genomic context (GRCh38, chr10:12,120,268, plus strand): 5'-CAGAACATGGGTCCGTGGTCGTTTGTTTCTCCAAGGTTTGAAAAGCAGCTGGCCTGCAAG[G>T]TAATCACACGTTTTCTCTGGTAGTGTTTTGTGTTTTGTGTGCATGTTGTTTTTCTTTTCT-3'

ClinVar aggregate classification (germline): Uncertain significance. Review status: criteria provided, multiple submitters, no conflicts (2 of 4 stars). 2 submissions from 2 submitters: Uncertain significance (2). Last evaluated 2022-03-21.

Conditions:
2-aminoadipic 2-oxoadipic aciduria (AAKAD). Also called: Aminoadipic aciduria; ALPHA-AMINOADIPIC AND ALPHA-KETOADIPIC ACIDURIA. Identifiers: Orphanet 79154, MedGen C1859817, MONDO:0008774, OMIM 204750.
Inborn genetic diseases. Identifiers: MedGen C0950123, MeSH D030342.

Allele frequency attached by ClinVar (database versions not stated): gnomAD exomes below 0.00001.
gnomAD v4.1: 2 of 1,612,714 alleles (0.00012%); highest among the groups gnomAD compares: Admixed American, 0.0033%; no homozygotes.

Submissions (2):

Ambry Genetics
Classification: Uncertain significance for Inborn genetic diseases. Last evaluated: 2022-03-21. Review status: criteria provided, single submitter. Criteria: Ambry Variant Classification Scheme 2023. Collection method: clinical testing. Allele origin: germline.
Comment: Not expected to trigger nonsense-mediated mRNA decay Based on insufficient or conflicting evidence, the clinical significance of this alteration remains unclear.

Labcorp Genetics (formerly Invitae), Labcorp
Classification: Uncertain significance for 2-aminoadipic 2-oxoadipic aciduria. Last evaluated: 2021-11-13. Review status: criteria provided, single submitter. Criteria: Invitae Variant Classification Sherloc (09022015). Collection method: clinical testing. Allele origin: germline.
Comment: This sequence change affects a donor splice site in intron 16 of the DHTKD1 gene. While this variant is not anticipated to result in nonsense mediated decay, it likely alters RNA splicing and results in a disrupted protein product. This variant is present in population databases (no rsID available, gnomAD 0.006%). This variant has not been reported in the literature in individuals affected with DHTKD1-related conditions. Variants that disrupt the consensus splice site are a relatively common cause of aberrant splicing (PMID: 17576681, 9536098). Algorithms developed to predict the effect of sequence changes on RNA splicing suggest that this variant may disrupt the consensus splice site. In summary, the available evidence is currently insufficient to determine the role of this variant in disease. Therefore, it has been classified as a Variant of Uncertain Significance.

Literature cited by the submitters: PubMed 17576681 (cited by Labcorp Genetics (formerly Invitae), Labcorp); PubMed 9536098 (cited by Labcorp Genetics (formerly Invitae), Labcorp).